The following is an entry in ClinVar:

NM_013275.6(ANKRD11):c.5088C>G (p.Asp1696Glu)

Gene: ANKRD11 (ankyrin repeat domain 11; minus strand). Cytogenetic location: 16q24.3.
Variant type: single nucleotide variant.
Coding change: c.5088C>G on transcript NM_013275.6 (MANE Select); coding-DNA position 5088, C replaced by G.
Protein change: p.Asp1696Glu; replaces aspartic acid 1696 with glutamic acid.
Molecular consequence: missense variant.
Genome position (GRCh38, 1-based): chr16:89,281,454, G>C on the plus strand (C>G on the coding strand, the complement: ANKRD11 is on the minus strand). VCF-style: chr16-89281454-G-C. GRCh37 (hg19) VCF-style: chr16-89347862-G-C.
Other names: c.5088C>G (NM_013275.4); c.5088C>G, p.Asp1696Glu (NM_001256182.2, NM_001256183.2); short protein forms D1696E.
Identifiers: ClinVar variation 445952 (VCV000445952.46), dbSNP rs146205997, ClinGen allele CA8241955.
Genomic context (GRCh38, chr16:89,281,454, plus strand): 5'-CTCGTAGCTGGGGCAGGATAGCACCGACGTAGGGGTGGGCACGCCAGTGGGCCGGCTCTG[G>C]TCAGGCCTGGGGGACGCAGGCAGGACCTCTTTCATGTGAGGGCCTGCCAGCCAGTCTTTG-3'
Protein context (NP_037407.4, residues 1686-1706): KEVLPASPRP[Asp1696Glu]QSRPTGVPTP

ClinVar aggregate classification (germline): Benign/Likely benign. Review status: criteria provided, multiple submitters, no conflicts (2 of 4 stars). 14 submissions from 14 submitters: Benign (3); Likely benign (8). 3 of the submissions do not count toward it. Last evaluated 2026-09-01.

Conditions:
ANKRD11-related disorder. Also called: ANKRD11-related condition.
Inborn genetic diseases. Identifiers: MedGen C0950123, MeSH D030342.
KBG syndrome (KBGS). Also called: ANKRD11-Related KBG Syndrome. Identifiers: Orphanet 2332, MedGen C0220687, MONDO:0007846, OMIM 148050.

Allele frequency attached by ClinVar (database versions not stated): 1000 Genomes Project 30x 0.00265; gnomAD exomes 0.00036 and 0.00075; ExAC 0.00069; ESP Exome Variant Server 0.00123; gnomAD 0.00150 and 0.00151; TOPMed 0.00195; 1000 Genomes Project 0.00260.
gnomAD v4.1: 795 of 1,614,020 alleles (0.049%); highest among the groups gnomAD compares: Middle Eastern, 0.46%; 6 homozygotes.

Submissions (14):

CeGaT Center for Human Genetics Tuebingen
Classification: Likely benign. Last evaluated: 2026-09-01. Review status: criteria provided, single submitter. Criteria: CeGaT Center For Human Genetics Tuebingen Variant Classification Criteria Version 2. Collection method: clinical testing. Allele origin: germline. Affected: yes. Observed: 9 variant alleles.
Comment: ANKRD11: BP4, BS1

Labcorp Genetics (formerly Invitae), Labcorp
Classification: Likely benign for KBG syndrome. Last evaluated: 2026-02-02. Review status: criteria provided, single submitter. Criteria: Invitae Variant Classification Sherloc (09022015). Collection method: clinical testing. Allele origin: germline.

Blueprint Genetics
Classification: Likely benign. Last evaluated: 2024-11-06. Review status: criteria provided, single submitter. Criteria: ACMG Guidelines, 2015. Collection method: clinical testing. Allele origin: germline.

ARUP Laboratories, Molecular Genetics and Genomics, ARUP Laboratories
Classification: Likely benign for KBG syndrome. Last evaluated: 2024-03-04. Review status: criteria provided, single submitter. Criteria: ARUP Molecular Germline Variant Investigation Process 2024. Collection method: clinical testing. Allele origin: germline.

Genome-Nilou Lab
Classification: Benign for KBG syndrome. Last evaluated: 2021-12-05. Review status: criteria provided, single submitter. Criteria: ACMG Guidelines, 2015. Collection method: clinical testing. Allele origin: germline. Affected: no.

Fulgent Genetics
Classification: Likely benign for KBG syndrome. Last evaluated: 2021-08-04. Review status: criteria provided, single submitter. Criteria: ACMG Guidelines, 2015. Collection method: clinical testing. Allele origin: unknown.

GeneDx
Classification: Benign. Last evaluated: 2020-04-06. Review status: criteria provided, single submitter. Criteria: GeneDx Variant Classification Process June 2021. Collection method: clinical testing. Allele origin: germline. Affected: yes.

Athena Diagnostics
Classification: Benign. Last evaluated: 2018-02-20. Review status: criteria provided, single submitter. Criteria: Athena Diagnostics Criteria. Collection method: clinical testing. Allele origin: germline.

Ambry Genetics
Classification: Likely benign for Inborn genetic diseases. Last evaluated: 2017-09-12. Review status: criteria provided, single submitter. Criteria: Ambry Variant Classification Scheme 2023. Collection method: clinical testing. Allele origin: germline.

Center for Pediatric Genomic Medicine, Children's Mercy Hospital and Clinics
Classification: Likely benign. Last evaluated: 2017-06-29. Review status: criteria provided, single submitter. Criteria: ACMG Guidelines, 2015. Collection method: clinical testing. Allele origin: germline.

Breakthrough Genomics
Classification: Likely benign. Review status: criteria provided, single submitter. Criteria: ACMG Guidelines, 2015. Collection method: not provided. Allele origin: germline. Inheritance: Autosomal dominant inheritance. Affected: yes.

PreventionGenetics, part of Exact Sciences
Classification: Likely benign for ANKRD11-related condition. Last evaluated: 2019-08-08. Review status: no assertion criteria provided. Collection method: clinical testing. Allele origin: germline. Not counted in ClinVar's aggregate classification.
Comment: This variant is classified as likely benign based on ACMG/AMP sequence variant interpretation guidelines (Richards et al. 2015 PMID: 25741868, with internal and published modifications).

Clinical Genetics DNA and cytogenetics Diagnostics Lab, Erasmus MC, Erasmus Medical Center
Classification: Likely benign. Review status: no assertion criteria provided. Collection method: clinical testing. Allele origin: germline. Affected: yes. Study: VKGL Data-share Consensus. Not counted in ClinVar's aggregate classification.

Joint Genome Diagnostic Labs from Nijmegen and Maastricht, Radboudumc and MUMC+
Classification: Likely benign. Review status: no assertion criteria provided. Collection method: clinical testing. Allele origin: germline. Affected: yes. Study: VKGL Data-share Consensus. Not counted in ClinVar's aggregate classification.